The following is an entry in ClinVar:

ClinVar aggregate classification (germline): Uncertain significance (1 of 4 stars; one submission).

Allele frequency attached by ClinVar (database versions not stated): gnomAD exomes below 0.00001 and 0.00001; TOPMed 0.00001.

Submission:

Labcorp Genetics (formerly Invitae), Labcorp
Classification: Uncertain significance. Last evaluated: 2021-02-16. Review status: criteria provided, single submitter. Criteria: Invitae Variant Classification Sherloc (09022015). Collection method: clinical testing. Allele origin: germline.
Comment: This variant has not been reported in the literature in individuals with SLC44A4-related conditions. Algorithms developed to predict the effect of sequence changes on RNA splicing suggest that this variant may disrupt the consensus splice site, but this prediction has not been confirmed by published transcriptional studies. In summary, the available evidence is currently insufficient to determine the role of this variant in disease. Therefore, it has been classified as a Variant of Uncertain Significance. This variant is not present in population databases (ExAC no frequency). This sequence change affects a donor splice site in intron 8 of the SLC44A4 gene. It is expected to disrupt RNA splicing. Variants that disrupt the donor or acceptor splice site typically lead to a loss of protein function (PMID: 16199547), however the current clinical and genetic evidence is not sufficient to establish whether loss-of-function variants in SLC44A4 cause disease.

Literature cited by the submitters: PubMed 16199547.

NM_025257.3(SLC44A4):c.617+1G>A

Gene: SLC44A4 (solute carrier family 44 member 4; minus strand). Cytogenetic location: 6p21.33.
Variant type: single nucleotide variant.
Coding change: c.617+1G>A on transcript NM_025257.3 (MANE Select); the canonical splice donor site of the intron after coding-DNA position 617, G replaced by A.
Molecular consequence: splice donor variant.
Genome position (GRCh38, 1-based): chr6:31,871,473, C>T on the plus strand (G>A on the coding strand, the complement: SLC44A4 is on the minus strand). VCF-style: chr6-31871473-C-T. GRCh37 (hg19) VCF-style: chr6-31839250-C-T.
Other names: c.491+1G>A (NM_001178044.2); c.389+1G>A (NM_001178045.2).
Identifiers: ClinVar variation 1412115 (VCV001412115.8), dbSNP rs966048843, ClinGen allele CA136886760.